The following is an entry in ClinVar:

NM_001458.5(FLNC):c.6109G>A (p.Glu2037Lys)

Genes: FLNC (filamin C; plus strand), FLNC-AS1 (FLNC antisense RNA 1; minus strand). Cytogenetic location: 7q32.1.
Variant type: single nucleotide variant.
Coding change: c.6109G>A on transcript NM_001458.5 (MANE Select); coding-DNA position 6109, G replaced by A.
Protein change: p.Glu2037Lys; replaces glutamic acid 2037 with lysine.
Molecular consequence: missense variant.
Genome position (GRCh38, 1-based): chr7:128,852,932, G>A. VCF-style: chr7-128852932-G-A. GRCh37 (hg19) VCF-style: chr7-128492986-G-A.
Other names: c.6010G>A, p.Glu2004Lys (NM_001127487.2); short protein forms E2004K, E2037K.
Identifiers: ClinVar variation 2443492 (VCV002443492.1), dbSNP rs2536660344, ClinGen allele CA369211253.

ClinVar aggregate classification (germline): Uncertain significance (1 of 4 stars; one submission).

Submission:

GeneDx
Classification: Uncertain significance. Last evaluated: 2022-09-06. Review status: criteria provided, single submitter. Criteria: GeneDx Variant Classification Process June 2021. Collection method: clinical testing. Allele origin: germline. Affected: yes.
Comment: In silico analysis supports that this missense variant has a deleterious effect on protein structure/function; Not observed at significant frequency in large population cohorts (gnomAD); Has not been previously published as pathogenic or benign to our knowledge